The following is an entry in ClinVar:

NM_000350.3(ABCA4):c.3872A>T (p.Gln1291Leu)

Gene: ABCA4 (ATP binding cassette subfamily A member 4; minus strand). Cytogenetic location: 1p22.1.
Variant type: single nucleotide variant.
Coding change: c.3872A>T on transcript NM_000350.3 (MANE Select); coding-DNA position 3872, A replaced by T.
Protein change: p.Gln1291Leu; replaces glutamine 1291 with leucine.
Molecular consequence: missense variant.
Genome position (GRCh38, 1-based): chr1:94,032,034, T>A on the plus strand (A>T on the coding strand, the complement: ABCA4 is on the minus strand). VCF-style: chr1-94032034-T-A. GRCh37 (hg19) VCF-style: chr1-94497590-T-A.
Other names: c.3872A>T (NM_000350.2); c.3650A>T, p.Gln1217Leu (NM_001425324.1); short protein forms Q1291L, Q1217L.
Identifiers: ClinVar variation 1043724 (VCV001043724.8), dbSNP rs1660220944, ClinGen allele CA341287860.

ClinVar aggregate classification (germline): Uncertain significance. Review status: criteria provided, multiple submitters, no conflicts (2 of 4 stars). 3 submissions from 3 submitters: Uncertain significance (3). Last evaluated 2025-12-09.

Conditions:
Inborn genetic diseases. Identifiers: MedGen C0950123, MeSH D030342.

Allele frequency attached by ClinVar (database versions not stated): gnomAD 0.00001; TOPMed 0.00001.
gnomAD v4.1: 1 of 1,611,456 alleles (0.000062%); no homozygotes.

Submissions (3):

Ambry Genetics
Classification: Uncertain significance for Inborn genetic diseases. Last evaluated: 2025-12-09. Review status: criteria provided, single submitter. Criteria: Ambry Variant Classification Scheme 2023. Collection method: clinical testing. Allele origin: germline.

GeneDx
Classification: Uncertain significance. Last evaluated: 2025-03-05. Review status: criteria provided, single submitter. Criteria: GeneDx Variant Classification Process June 2021. Collection method: clinical testing. Allele origin: germline. Affected: yes.
Comment: Not observed at significant frequency in large population cohorts (gnomAD); In silico analysis indicates that this missense variant does not alter protein structure/function; Has not been previously published as pathogenic or benign to our knowledge

Labcorp Genetics (formerly Invitae), Labcorp
Classification: Uncertain significance. Last evaluated: 2022-07-05. Review status: criteria provided, single submitter. Criteria: Invitae Variant Classification Sherloc (09022015). Collection method: clinical testing. Allele origin: germline.
Comment: This sequence change replaces glutamine, which is neutral and polar, with leucine, which is neutral and non-polar, at codon 1291 of the ABCA4 protein (p.Gln1291Leu). This variant is not present in population databases (gnomAD no frequency). This variant has not been reported in the literature in individuals affected with ABCA4-related conditions. ClinVar contains an entry for this variant (Variation ID: 1043724). Advanced modeling of protein sequence and biophysical properties (such as structural, functional, and spatial information, amino acid conservation, physicochemical variation, residue mobility, and thermodynamic stability) performed at Invitae indicates that this missense variant is not expected to disrupt ABCA4 protein function. In summary, the available evidence is currently insufficient to determine the role of this variant in disease. Therefore, it has been classified as a Variant of Uncertain Significance.